The following is an entry in ClinVar:

ClinVar aggregate classification (germline): Pathogenic (1 of 4 stars; one submission).

Conditions:
Developmental and epileptic encephalopathy, 34 (DEE34). Also called: Early infantile epileptic encephalopathy 34; SLC12A5-Related Epilepsy of Infancy with Migrating Focal Seizures. Identifiers: Orphanet 293181, MedGen C4225257, MONDO:0014718, OMIM 616645.

Submission:

Labcorp Genetics (formerly Invitae), Labcorp
Classification: Pathogenic for Developmental and epileptic encephalopathy, 34. Last evaluated: 2024-08-28. Review status: criteria provided, single submitter. Criteria: Invitae Variant Classification Sherloc (09022015). Collection method: clinical testing. Allele origin: germline.
Comment: This sequence change creates a premature translational stop signal (p.Gly181Alafs*47) in the SLC12A5 gene. It is expected to result in an absent or disrupted protein product. Loss-of-function variants in SLC12A5 are known to be pathogenic (PMID: 26333769, 27436767). This variant is not present in population databases (gnomAD no frequency). This variant has not been reported in the literature in individuals affected with SLC12A5-related conditions. Algorithms developed to predict the effect of sequence changes on RNA splicing suggest that this variant may disrupt the consensus splice site. For these reasons, this variant has been classified as Pathogenic.

Literature cited by the submitters: PubMed 26333769; PubMed 27436767.

NM_020708.5(SLC12A5):c.542del (p.Gly181fs)

Gene: SLC12A5 (solute carrier family 12 member 5; plus strand). Cytogenetic location: 20q13.12.
Variant type: Deletion.
Coding change: c.542del on transcript NM_020708.5 (MANE Select); coding-DNA position 542, one base deleted (G; older notation c.542delG).
Protein change: p.Gly181fs; shifts the reading frame from glycine 181.
Molecular consequence: frameshift variant.
Genome position (GRCh38, 1-based): chr20:46,037,315, G deleted; the last of 3 consecutive G bases (chr20:46,037,313-46,037,315); deleting any one gives the same sequence. VCF-style (leftmost placement, unchanged base first): chr20-46037312-TG-T. GRCh37 (hg19) VCF-style: chr20-44665951-TG-T.
Other names: c.611del, p.Gly204fs (NM_001134771.2); short protein forms G181fs, G204fs.
Identifiers: ClinVar variation 3663788 (VCV003663788.2).